The following is an entry in ClinVar:

ClinVar aggregate classification (germline): Uncertain significance. Review status: criteria provided, multiple submitters, no conflicts (2 of 4 stars). 4 submissions from 4 submitters: Uncertain significance (4). Last evaluated 2024-06-11.

Conditions:
Inborn genetic diseases. Identifiers: MedGen C0950123, MeSH D030342.
Fraser syndrome 1 (FRASRS1). Also called: CRYPTOPHTHALMOS WITH OTHER MALFORMATIONS. Identifiers: Orphanet 2052, MedGen C4551480, MONDO:0054737, OMIM 219000.

Allele frequency attached by ClinVar (database versions not stated): TOPMed 0.00004; gnomAD 0.00007 and 0.00009; ESP Exome Variant Server 0.00016; 1000 Genomes Project 0.00020; 1000 Genomes Project 30x 0.00031.
gnomAD v4.1: 172 of 1,613,880 alleles (0.011%); highest among the groups gnomAD compares: Non-Finnish European, 0.012%; no homozygotes.

Submissions (4):

Ambry Genetics
Classification: Uncertain significance for Inborn genetic diseases. Last evaluated: 2024-06-11. Review status: criteria provided, single submitter. Criteria: Ambry Variant Classification Scheme 2023. Collection method: clinical testing. Allele origin: germline.

Fulgent Genetics
Classification: Uncertain significance for Fraser syndrome 1. Last evaluated: 2024-04-05. Review status: criteria provided, single submitter. Criteria: ACMG Guidelines, 2015. Collection method: clinical testing. Allele origin: germline.

Labcorp Genetics (formerly Invitae), Labcorp
Classification: Uncertain significance. Last evaluated: 2022-10-24. Review status: criteria provided, single submitter. Criteria: Invitae Variant Classification Sherloc (09022015). Collection method: clinical testing. Allele origin: germline.
Comment: This sequence change replaces alanine, which is neutral and non-polar, with threonine, which is neutral and polar, at codon 3055 of the FRAS1 protein (p.Ala3055Thr). This variant is present in population databases (rs375885501, gnomAD 0.02%). This variant has not been reported in the literature in individuals affected with FRAS1-related conditions. ClinVar contains an entry for this variant (Variation ID: 907542). Advanced modeling of protein sequence and biophysical properties (such as structural, functional, and spatial information, amino acid conservation, physicochemical variation, residue mobility, and thermodynamic stability) performed at Invitae indicates that this missense variant is not expected to disrupt FRAS1 protein function. In summary, the available evidence is currently insufficient to determine the role of this variant in disease. Therefore, it has been classified as a Variant of Uncertain Significance.

Illumina Laboratory Services, Illumina
Classification: Uncertain significance for Fraser syndrome 1. Last evaluated: 2018-01-13. Review status: criteria provided, single submitter. Criteria: ICSL Variant Classification Criteria 13 December 2019. Collection method: clinical testing. Allele origin: germline.

NM_025074.7(FRAS1):c.9163G>A (p.Ala3055Thr)

Gene: FRAS1 (Fraser extracellular matrix complex subunit 1; plus strand). Cytogenetic location: 4q21.21.
Variant type: single nucleotide variant.
Coding change: c.9163G>A on transcript NM_025074.7 (MANE Select); coding-DNA position 9163, G replaced by A.
Protein change: p.Ala3055Thr; replaces alanine 3055 with threonine.
Molecular consequence: missense variant.
Genome position (GRCh38, 1-based): chr4:78,499,768, G>A. VCF-style: chr4-78499768-G-A. GRCh37 (hg19) VCF-style: chr4-79420922-G-A.
Other names: short protein forms A3055T.
Identifiers: ClinVar variation 907542 (VCV000907542.8), dbSNP rs375885501, ClinGen allele CA2978602.
Genomic context (GRCh38, chr4:78,499,768, plus strand): 5'-CATATTTCCTTAGCCCCCACCATTGAGTTTGAAGAAGCTGCATACCAAGTCCGGGAACCC[G>A]CAGGCCCAGATGCCATTGCGATTCTGAACATCAAGGTGATCCGCAGAGGGGATCAGAACA-3'
Protein context (NP_079350.5, residues 3045-3065): EEAAYQVREP[Ala3055Thr]GPDAIAILNI